The following is an entry in ClinVar:

NM_015662.3(IFT172):c.4776G>A (p.Met1592Ile)

Genes: KRTCAP3 (keratinocyte associated protein 3; plus strand), IFT172 (intraflagellar transport 172; minus strand). Cytogenetic location: 2p23.3.
Variant type: single nucleotide variant.
Coding change: c.4776G>A on transcript NM_015662.3 (MANE Select); coding-DNA position 4776, G replaced by A.
Protein change: p.Met1592Ile; replaces methionine 1592 with isoleucine.
Molecular consequence: missense variant. On other transcripts: intron variant (1).
Genome position (GRCh38, 1-based): chr2:27,445,968, C>T on the plus strand (G>A on the coding strand, the complement: IFT172 is on the minus strand). VCF-style: chr2-27445968-C-T. GRCh37 (hg19) VCF-style: chr2-27668835-C-T.
Other names: c.4710G>A, p.Met1570Ile (NM_001410739.1); c.*6-333C>T (NM_001168364.2); short protein forms M1592I, M1570I.
Identifiers: ClinVar variation 1026964 (VCV001026964.7), dbSNP rs1042644207, ClinGen allele CA44516163.
Genomic context (GRCh38, chr2:27,445,968, plus strand): 5'-GGGCACAGCTTCCCTACTCACATCGGTCAGGTCCAAAAAGCGATTGAGGAAGATGAATGC[C>T]ATGTTATCCCAGCCAACTGCCTGCAGCAAAGAAGAGTTGCAAATGGGAGTGAACAAGCTG-3'
Protein context (NP_056477.1, residues 1582-1602): IAAKAVGWDN[Met1592Ile]AFIFLNRFLD

ClinVar aggregate classification (germline): Uncertain significance. Review status: criteria provided, multiple submitters, no conflicts (2 of 4 stars). 2 submissions from 2 submitters: Uncertain significance (2). Last evaluated 2023-03-10.

Conditions:
Short-rib thoracic dysplasia 10 with or without polydactyly (SRTD10). Identifiers: Orphanet 474, MedGen C3810175, MONDO:0014284, OMIM 615630.
Retinitis pigmentosa 71 (RP71). Identifiers: Orphanet 791, MedGen C4225342, MONDO:0014618, OMIM 616394.

Allele frequency attached by ClinVar (database versions not stated): TOPMed below 0.00001; gnomAD exomes 0.00001 and below 0.00001.

Submissions (2):

GeneDx
Classification: Uncertain significance. Last evaluated: 2023-03-10. Review status: criteria provided, single submitter. Criteria: GeneDx Variant Classification Process June 2021. Collection method: clinical testing. Allele origin: germline. Affected: yes.
Comment: Not observed at significant frequency in large population cohorts (gnomAD); In silico analysis supports that this missense variant does not alter protein structure/function; Has not been previously published as pathogenic or benign to our knowledge

Labcorp Genetics (formerly Invitae), Labcorp
Classification: Uncertain significance for Retinitis pigmentosa 71; Short-rib thoracic dysplasia 10 with or without polydactyly. Last evaluated: 2022-07-21. Review status: criteria provided, single submitter. Criteria: Invitae Variant Classification Sherloc (09022015). Collection method: clinical testing. Allele origin: germline.
Comment: This sequence change replaces methionine, which is neutral and non-polar, with isoleucine, which is neutral and non-polar, at codon 1592 of the IFT172 protein (p.Met1592Ile). This variant is present in population databases (no rsID available, gnomAD 0.0009%). This variant has not been reported in the literature in individuals affected with IFT172-related conditions. ClinVar contains an entry for this variant (Variation ID: 1026964). Algorithms developed to predict the effect of missense changes on protein structure and function (SIFT, PolyPhen-2, Align-GVGD) all suggest that this variant is likely to be tolerated. In summary, the available evidence is currently insufficient to determine the role of this variant in disease. Therefore, it has been classified as a Variant of Uncertain Significance.